The following is an entry in ClinVar:

NM_002292.4(LAMB2):c.4702G>A (p.Asp1568Asn)

Gene: LAMB2 (laminin subunit beta 2; minus strand). Cytogenetic location: 3p21.31.
Variant type: single nucleotide variant.
Coding change: c.4702G>A on transcript NM_002292.4 (MANE Select); coding-DNA position 4702, G replaced by A.
Protein change: p.Asp1568Asn; replaces aspartic acid 1568 with asparagine.
Molecular consequence: missense variant.
Genome position (GRCh38, 1-based): chr3:49,122,242, C>T on the plus strand (G>A on the coding strand, the complement: LAMB2 is on the minus strand). VCF-style: chr3-49122242-C-T. GRCh37 (hg19) VCF-style: chr3-49159675-C-T.
Other names: short protein forms D1568N.
Identifiers: ClinVar variation 2066621 (VCV002066621.4), dbSNP rs2472518856, ClinGen allele CA352689506.
Genomic context (GRCh38, chr3:49,122,242, plus strand): 5'-GCAGTAGCTGCTCGGCACGACGCACATCTCCTACAGTACGTGCCAGGATCGCATCCACAT[C>T]TGCCAGGCTCCGGACTCGCTCTGCAATCGCACCCGCCAGGTGCTGGATCTGCTCAGCTGA-3'
Protein context (NP_002283.3, residues 1558-1578): AIAERVRSLA[Asp1568Asn]VDAILARTVG

ClinVar aggregate classification (germline): Uncertain significance (1 of 4 stars; one submission).

Conditions:
Pierson syndrome. Also called: MICROCORIA-CONGENITAL NEPHROTIC SYNDROME. Identifiers: Orphanet 2670, MedGen C1836876, MONDO:0012184, OMIM 609049.
LAMB2-related infantile-onset nephrotic syndrome. Also called: NEPHROTIC SYNDROME, TYPE 5, WITHOUT OCULAR ABNORMALITIES; NEPHROTIC SYNDROME, TYPE 5, WITH OCULAR ABNORMALITIES; Nephrotic Syndrome, type 5. Identifiers: Orphanet 306507, MedGen C3280113, MONDO:0013621, OMIM 614199.

Submission:

Labcorp Genetics (formerly Invitae), Labcorp
Classification: Uncertain significance for LAMB2-related infantile-onset nephrotic syndrome; Pierson syndrome. Last evaluated: 2022-08-09. Review status: criteria provided, single submitter. Criteria: Invitae Variant Classification Sherloc (09022015). Collection method: clinical testing. Allele origin: germline.
Comment: Algorithms developed to predict the effect of missense changes on protein structure and function (SIFT, PolyPhen-2, Align-GVGD) all suggest that this variant is likely to be tolerated. This variant has not been reported in the literature in individuals affected with LAMB2-related conditions. In summary, the available evidence is currently insufficient to determine the role of this variant in disease. Therefore, it has been classified as a Variant of Uncertain Significance. This sequence change replaces aspartic acid, which is acidic and polar, with asparagine, which is neutral and polar, at codon 1568 of the LAMB2 protein (p.Asp1568Asn). This variant is not present in population databases (gnomAD no frequency).